The following is an entry in ClinVar:

NM_001382391.1(CSPP1):c.-116C>T

Gene: CSPP1 (centrosome and spindle pole associated protein 1; plus strand). Cytogenetic location: 8q13.1.
Variant type: single nucleotide variant.
Coding change: c.-116C>T on transcript NM_001382391.1 (MANE Select); 116 bases upstream of the start codon, C replaced by T.
Molecular consequence: 5 prime UTR variant. On other transcripts: missense variant (3).
Genome position (GRCh38, 1-based): chr8:67,064,433, C>T. VCF-style: chr8-67064433-C-T. GRCh37 (hg19) VCF-style: chr8-67976668-C-T.
Other names: c.-116C>T (NM_001363131.2, NM_001363132.2, NM_001363133.2); c.35C>T, p.Ser12Phe (NM_001364869.1, NM_001364870.1, NM_024790.7); short protein forms S12F.
Identifiers: ClinVar variation 1499789 (VCV001499789.7), dbSNP rs371071297, ClinGen allele CA4770047.

ClinVar aggregate classification (germline): Conflicting classifications of pathogenicity. Review status: criteria provided, conflicting classifications (1 of 4 stars). 2 submissions from 2 submitters: Uncertain significance (1); Likely benign (1). Last evaluated 2025-01-06.

Conditions:
Inborn genetic diseases. Identifiers: MedGen C0950123, MeSH D030342.
Joubert syndrome 21 (JBTS21). Identifiers: MedGen C3810212, MONDO:0014288, OMIM 615636.

Allele frequency attached by ClinVar (database versions not stated): ExAC 0.00001; gnomAD exomes 0.00001 and 0.00004; ESP Exome Variant Server 0.00008.
gnomAD v4.1: 56 of 1,613,866 alleles (0.0035%); highest among the groups gnomAD compares: Non-Finnish European, 0.0044%; no homozygotes.

Submissions (2):

Labcorp Genetics (formerly Invitae), Labcorp
Classification: Uncertain significance for Joubert syndrome 21. Last evaluated: 2025-01-06. Review status: criteria provided, single submitter. Criteria: Invitae Variant Classification Sherloc (09022015). Collection method: clinical testing. Allele origin: germline.
Comment: This sequence change replaces serine, which is neutral and polar, with phenylalanine, which is neutral and non-polar, at codon 12 of the CSPP1 protein (p.Ser12Phe). This variant is present in population databases (rs371071297, gnomAD 0.003%). This variant has not been reported in the literature in individuals affected with CSPP1-related conditions. ClinVar contains an entry for this variant (Variation ID: 1499789). An algorithm developed to predict the effect of missense changes on protein structure and function outputs the following: PolyPhen-2: "Benign". The phenylalanine amino acid residue is found in multiple mammalian species, which suggests that this missense change does not adversely affect protein function. In summary, the available evidence is currently insufficient to determine the role of this variant in disease. Therefore, it has been classified as a Variant of Uncertain Significance.

Ambry Genetics
Classification: Likely benign for Inborn genetic diseases. Last evaluated: 2024-01-02. Review status: criteria provided, single submitter. Criteria: Ambry Variant Classification Scheme 2023. Collection method: clinical testing. Allele origin: germline.